The following is an entry in ClinVar:

NM_001365088.1(SLC12A6):c.3013C>T (p.Arg1005Trp)

Gene: SLC12A6 (solute carrier family 12 member 6; minus strand). Cytogenetic location: 15q14.
Variant type: single nucleotide variant.
Coding change: c.3013C>T on transcript NM_001365088.1 (MANE Select); coding-DNA position 3013, C replaced by T.
Protein change: p.Arg1005Trp; replaces arginine 1005 with tryptophan.
Molecular consequence: missense variant.
Genome position (GRCh38, 1-based): chr15:34,236,737, G>A on the plus strand (C>T on the coding strand, the complement: SLC12A6 is on the minus strand). VCF-style: chr15-34236737-G-A. GRCh37 (hg19) VCF-style: chr15-34528938-G-A.
Other names: c.2836C>T, p.Arg946Trp (NM_001042494.2, NM_001042495.2); c.2986C>T, p.Arg996Trp (NM_001042496.2); c.2968C>T, p.Arg990Trp (NM_001042497.2); c.2860C>T, p.Arg954Trp (NM_005135.2); c.3013C>T, p.Arg1005Trp (NM_133647.2); short protein forms R990W, R1005W, R954W, R946W, R996W.
Identifiers: ClinVar variation 2201953 (VCV002201953.3), dbSNP rs190611250, ClinGen allele CA7463949.

ClinVar aggregate classification (germline): Uncertain significance. Review status: criteria provided, multiple submitters, no conflicts (2 of 4 stars). 2 submissions from 2 submitters: Uncertain significance (2). Last evaluated 2025-07-21.

Conditions:
Inborn genetic diseases. Identifiers: MedGen C0950123, MeSH D030342.

Allele frequency attached by ClinVar (database versions not stated): TOPMed 0.00002; gnomAD 0.00003; ExAC 0.00006; 1000 Genomes Project 30x 0.00031; 1000 Genomes Project 0.00040.
gnomAD v4.1: 52 of 1,605,554 alleles (0.0032%); highest among the groups gnomAD compares: East Asian, 0.038%; no homozygotes.

Submissions (2):

Labcorp Genetics (formerly Invitae), Labcorp
Classification: Uncertain significance. Last evaluated: 2025-07-21. Review status: criteria provided, single submitter. Criteria: Invitae Variant Classification Sherloc (09022015). Collection method: clinical testing. Allele origin: germline.
Comment: This sequence change replaces arginine, which is basic and polar, with tryptophan, which is neutral and slightly polar, at codon 1005 of the SLC12A6 protein (p.Arg1005Trp). This variant is present in population databases (rs190611250, gnomAD 0.06%). This variant has not been reported in the literature in individuals affected with SLC12A6-related conditions. ClinVar contains an entry for this variant (Variation ID: 2201953). Invitae Evidence Modeling of protein sequence and biophysical properties (such as structural, functional, and spatial information, amino acid conservation, physicochemical variation, residue mobility, and thermodynamic stability) indicates that this missense variant is not expected to disrupt SLC12A6 protein function with a negative predictive value of 80%. In summary, the available evidence is currently insufficient to determine the role of this variant in disease. Therefore, it has been classified as a Variant of Uncertain Significance.

Ambry Genetics
Classification: Uncertain significance for Inborn genetic diseases. Last evaluated: 2025-04-07. Review status: criteria provided, single submitter. Criteria: Ambry Variant Classification Scheme 2023. Collection method: clinical testing. Allele origin: germline.
Comment: The p.R1005W variant (also known as c.3013C>T), located in coding exon 22 of the SLC12A6 gene, results from a C to T substitution at nucleotide position 3013. The arginine at codon 1005 is replaced by tryptophan, an amino acid with dissimilar properties. This amino acid position is conserved. In addition, this alteration is predicted to be deleterious by in silico analysis. Based on the available evidence, the clinical significance of this variant remains unclear.